The following is an entry in ClinVar:

NM_015338.6(ASXL1):c.1357G>T (p.Glu453Ter)

Gene: ASXL1 (ASXL transcriptional regulator 1; plus strand). Cytogenetic location: 20q11.21.
Variant type: single nucleotide variant.
Coding change: c.1357G>T on transcript NM_015338.6 (MANE Select); coding-DNA position 1357, G replaced by T.
Protein change: p.Glu453Ter; replaces glutamic acid 453 with a stop codon.
Molecular consequence: nonsense.
Genome position (GRCh38, 1-based): chr20:32,433,555, G>T. VCF-style: chr20-32433555-G-T. GRCh37 (hg19) VCF-style: chr20-31021358-G-T.
Other names: c.1174G>T, p.Glu392Ter (NM_001363734.1); short protein forms E392*, E453*.
Identifiers: ClinVar variation 935160 (VCV000935160.9), dbSNP rs2011602498, ClinGen allele CA408556405.

ClinVar aggregate classification (germline): Pathogenic (1 of 4 stars; one submission).

Allele frequency attached by ClinVar (database versions not stated): gnomAD exomes below 0.00001.
gnomAD v4.1: 3 of 1,614,176 alleles (0.00019%); highest among the groups gnomAD compares: Non-Finnish European, 0.00025%; no homozygotes.

Submission:

Labcorp Genetics (formerly Invitae), Labcorp
Classification: Pathogenic. Last evaluated: 2019-08-21. Review status: criteria provided, single submitter. Criteria: Invitae Variant Classification Sherloc (09022015). Collection method: clinical testing. Allele origin: germline.
Comment: In at least one individual the variant was observed to be de novo. This variant is not present in population databases (ExAC no frequency). This sequence change creates a premature translational stop signal (p.Glu453*) in the ASXL1 gene. It is expected to result in an absent or disrupted protein product. Algorithms developed to predict the effect of sequence changes on RNA splicing suggest that this variant may create or strengthen a splice site, but this prediction has not been confirmed by published transcriptional studies. For these reasons, this variant has been classified as Pathogenic. Loss-of-function variants in ASXL1 are known to be pathogenic (PMID: 21706002).

Literature cited by the submitters: PubMed 21706002.